The following is an entry in ClinVar:

NM_022168.4(IFIH1):c.2455-1G>A

Gene: IFIH1 (interferon induced with helicase C domain 1; minus strand). Cytogenetic location: 2q24.2.
Variant type: single nucleotide variant.
Coding change: c.2455-1G>A on transcript NM_022168.4 (MANE Select); the canonical splice acceptor site of the intron before coding-DNA position 2455, G replaced by A.
Molecular consequence: splice acceptor variant.
Genome position (GRCh38, 1-based): chr2:162,272,388, C>T on the plus strand (G>A on the coding strand, the complement: IFIH1 is on the minus strand). VCF-style: chr2-162272388-C-T. GRCh37 (hg19) VCF-style: chr2-163128898-C-T.
Identifiers: ClinVar variation 2936218 (VCV002936218.3), dbSNP rs749183293, ClinGen allele CA1934167.
Genomic context (GRCh38, chr2:162,272,388, plus strand): 5'-TGAACCACTGTGAGCAACCAGGACGTAGGTGCTCTCATCAGCTCTGGCTCGACCACGGGC[C>T]TGAAAACACAAATAAATCAAGTAAATGAAAGGGTACGTTGTGATACAAATCCTCCTGGTT-3'

ClinVar aggregate classification (germline): Uncertain significance (1 of 4 stars; one submission).

Conditions:
Aicardi-Goutieres syndrome 7 (AGS7). Identifiers: Orphanet 51, MedGen C3888244, MONDO:0014367, OMIM 615846.
Singleton-Merten syndrome 1 (SGMRT1). Also called: Widened medullary cavities of bone, aortic calcification, abnormal dentition, and muscular weakness; Syndrome of widened medullary cavities of the metacarpals and phalanges, aortic calcification and abnormal dentition. Identifiers: Orphanet 85191, MedGen C4225427, MONDO:0024535, OMIM 182250.

Allele frequency attached by ClinVar (database versions not stated): ExAC 0.00001; gnomAD 0.00001; TOPMed 0.00002; gnomAD exomes 0.00003.
gnomAD v4.1: 16 of 1,609,670 alleles (0.00099%); highest among the groups gnomAD compares: East Asian, 0.036%; no homozygotes.

Submission:

Labcorp Genetics (formerly Invitae), Labcorp
Classification: Uncertain significance for Aicardi-Goutieres syndrome 7; Singleton-Merten syndrome 1. Last evaluated: 2023-09-19. Review status: criteria provided, single submitter. Criteria: Invitae Variant Classification Sherloc (09022015). Collection method: clinical testing. Allele origin: germline.
Comment: This variant has not been reported in the literature in individuals affected with IFIH1-related conditions. The frequency data for this variant in the population databases is considered unreliable, as metrics indicate poor data quality at this position in the gnomAD database. This sequence change affects an acceptor splice site in intron 12 of the IFIH1 gene. It is expected to disrupt RNA splicing. Variants that disrupt the donor or acceptor splice site typically lead to a loss of protein function (PMID: 16199547), however the current clinical and genetic evidence is not sufficient to establish whether loss-of-function variants in IFIH1 cause disease. In summary, the available evidence is currently insufficient to determine the role of this variant in disease. Therefore, it has been classified as a Variant of Uncertain Significance. Algorithms developed to predict the effect of sequence changes on RNA splicing suggest that this variant may disrupt the consensus splice site.

Literature cited by the submitters: PubMed 16199547.